The following is an entry in ClinVar:

NM_021098.3(CACNA1H):c.713T>G (p.Phe238Cys)

Gene: CACNA1H (calcium voltage-gated channel subunit alpha1 H; plus strand). Cytogenetic location: 16p13.3.
Variant type: single nucleotide variant.
Coding change: c.713T>G on transcript NM_021098.3 (MANE Select); coding-DNA position 713, T replaced by G.
Protein change: p.Phe238Cys; replaces phenylalanine 238 with cysteine.
Molecular consequence: missense variant.
Genome position (GRCh38, 1-based): chr16:1,198,684, T>G. VCF-style: chr16-1198684-T-G. GRCh37 (hg19) VCF-style: chr16-1248684-T-G.
Other names: c.713T>G, p.Phe238Cys (NM_001005407.2); short protein forms F238C.
Identifiers: ClinVar variation 855506 (VCV000855506.13), dbSNP rs59084089, ClinGen allele CA7799589.
Genomic context (GRCh38, chr16:1,198,684, plus strand): 5'-TCCTGGTCACTCTGCTGCTGGATACGCTGCCCATGCTCGGGAACGTCCTTCTGCTGTGCT[T>G]CTTCGTCTTCTTCATTTTCGGCATCGTTGGCGTCCAGCTCTGGGCTGGCCTCCTGCGGAA-3'
Protein context (NP_066921.2, residues 228-248): PMLGNVLLLC[Phe238Cys]FVFFIFGIVG

ClinVar aggregate classification (germline): Benign/Likely benign. Review status: criteria provided, multiple submitters, no conflicts (2 of 4 stars). 3 submissions from 3 submitters: Benign (1); Likely benign (2). Last evaluated 2026-03-01.

Conditions:
Idiopathic generalized epilepsy. Also called: EIG; Generalised epilepsy. Identifiers: MedGen C0270850, MONDO:0005579, OMIM 600669.
Hyperaldosteronism, familial, type IV (HALD4). Also called: FH IV; ALDOSTERONISM, PRIMARY, AND HYPERTENSION. Identifiers: Orphanet 642671, MedGen C4310756, MONDO:0014875, OMIM 617027.

Allele frequency attached by ClinVar (database versions not stated): 1000 Genomes Project 30x 0.00016; 1000 Genomes Project 0.00020; TOPMed 0.00024; gnomAD 0.00025 and 0.00026; ExAC 0.00032; gnomAD exomes 0.00033 and 0.00070; ESP Exome Variant Server 0.00054.

Submissions (3):

CeGaT Center for Human Genetics Tuebingen
Classification: Likely benign. Last evaluated: 2026-03-01. Review status: criteria provided, single submitter. Criteria: CeGaT Center For Human Genetics Tuebingen Variant Classification Criteria Version 2. Collection method: clinical testing. Allele origin: germline. Affected: yes. Observed: 1 variant allele.
Comment: CACNA1H: PP3, BS2

Labcorp Genetics (formerly Invitae), Labcorp
Classification: Benign for Idiopathic generalized epilepsy; Hyperaldosteronism, familial, type IV. Last evaluated: 2026-01-21. Review status: criteria provided, single submitter. Criteria: Invitae Variant Classification Sherloc (09022015). Collection method: clinical testing. Allele origin: germline.

Blueprint Genetics
Classification: Likely benign. Last evaluated: 2024-11-20. Review status: criteria provided, single submitter. Criteria: ACMG Guidelines, 2015. Collection method: clinical testing. Allele origin: germline.